The following is an entry in ClinVar:

NM_014484.5(MOCS3):c.1004G>T (p.Arg335Leu)

Gene: MOCS3 (molybdenum cofactor synthesis 3; plus strand). Cytogenetic location: 20q13.13.
Variant type: single nucleotide variant.
Coding change: c.1004G>T on transcript NM_014484.5 (MANE Select); coding-DNA position 1004, G replaced by T.
Protein change: p.Arg335Leu; replaces arginine 335 with leucine.
Molecular consequence: missense variant.
Genome position (GRCh38, 1-based): chr20:50,959,846, G>T. VCF-style: chr20-50959846-G-T. GRCh37 (hg19) VCF-style: chr20-49576383-G-T.
Other names: short protein forms R335L.
Identifiers: ClinVar variation 2769057 (VCV002769057.3), dbSNP rs1233142571, ClinGen allele CA408985453.

ClinVar aggregate classification (germline): Uncertain significance (1 of 4 stars; one submission).

Submission:

Labcorp Genetics (formerly Invitae), Labcorp
Classification: Uncertain significance. Last evaluated: 2023-10-16. Review status: criteria provided, single submitter. Criteria: Invitae Variant Classification Sherloc (09022015). Collection method: clinical testing. Allele origin: germline.
Comment: This sequence change replaces arginine, which is basic and polar, with leucine, which is neutral and non-polar, at codon 335 of the MOCS3 protein (p.Arg335Leu). This variant is not present in population databases (gnomAD no frequency). This variant has not been reported in the literature in individuals affected with MOCS3-related conditions. An algorithm developed to predict the effect of missense changes on protein structure and function (PolyPhen-2) suggests that this variant is likely to be disruptive. In summary, the available evidence is currently insufficient to determine the role of this variant in disease. Therefore, it has been classified as a Variant of Uncertain Significance.